The following is an entry in ClinVar:

NM_007103.4(NDUFV1):c.1163-16G>A

Genes: NDUFV1 (NADH:ubiquinone oxidoreductase core subunit V1; plus strand), LOC126861242 (CDK7 strongly-dependent group 2 enhancer GRCh37_chr11:67379204-67380403; plus strand). Cytogenetic location: 11q13.2.
Variant type: single nucleotide variant.
Coding change: c.1163-16G>A on transcript NM_007103.4 (MANE Select); 16 bases into the intron before coding-DNA position 1163, G replaced by A.
Molecular consequence: intron variant.
Genome position (GRCh38, 1-based): chr11:67,612,104, G>A. VCF-style: chr11-67612104-G-A. GRCh37 (hg19) VCF-style: chr11-67379575-G-A.
Other names: c.1136-16G>A (NM_001166102.2).
Identifiers: ClinVar variation 138503 (VCV000138503.11), dbSNP rs12295232, ClinGen allele CA292521.

ClinVar aggregate classification (germline): Benign. Review status: criteria provided, multiple submitters, no conflicts (2 of 4 stars). 3 submissions from 3 submitters: Benign (3). Last evaluated 2026-02-02.

Allele frequency attached by ClinVar (database versions not stated): gnomAD exomes 0.00452 and 0.01157; ExAC 0.01402; gnomAD 0.04630 and 0.04998; TOPMed 0.05166; 1000 Genomes Project 0.05312; 1000 Genomes Project 30x 0.05809.
gnomAD v4.1: 13,862 of 1,613,428 alleles (0.86%); highest among the groups gnomAD compares: African/African-American, 16%; 1,031 homozygotes.

Submissions (3):

Labcorp Genetics (formerly Invitae), Labcorp
Classification: Benign. Last evaluated: 2026-02-02. Review status: criteria provided, single submitter. Criteria: Invitae Variant Classification Sherloc (09022015). Collection method: clinical testing. Allele origin: germline.

GeneDx
Classification: Benign. Last evaluated: 2012-09-05. Review status: criteria provided, single submitter. Criteria: GeneDx Variant Classification (06012015). Collection method: clinical testing. Allele origin: germline. Affected: yes.
Comment: This variant is considered likely benign or benign based on one or more of the following criteria: it is a conservative change, it occurs at a poorly conserved position in the protein, it is predicted to be benign by multiple in silico algorithms, and/or has population frequency not consistent with disease.

Breakthrough Genomics
Classification: Benign. Review status: criteria provided, single submitter. Criteria: ACMG Guidelines, 2015. Collection method: not provided. Allele origin: germline. Inheritance: Autosomal recessive inheritance. Affected: yes.